The following is an entry in ClinVar:

ClinVar aggregate classification (germline): Uncertain significance. Review status: criteria provided, multiple submitters, no conflicts (2 of 4 stars). 2 submissions from 2 submitters: Uncertain significance (2). Last evaluated 2025-03-12.

Conditions:
Baller-Gerold syndrome (BGS). Also called: CRANIOSYNOSTOSIS WITH RADIAL DEFECTS. Identifiers: Orphanet 1225, MedGen C0265308, MONDO:0009039, OMIM 218600.

Allele frequency attached by ClinVar (database versions not stated): TOPMed below 0.00001; gnomAD 0.00004 and 0.00005; 1000 Genomes Project 30x 0.00016; 1000 Genomes Project 0.00020.
gnomAD v4.1: 72 of 1,609,460 alleles (0.0045%); highest among the groups gnomAD compares: South Asian, 0.025%; no homozygotes.

Submissions (2):

Labcorp Genetics (formerly Invitae), Labcorp
Classification: Uncertain significance for Baller-Gerold syndrome. Last evaluated: 2025-03-12. Review status: criteria provided, single submitter. Criteria: Invitae Variant Classification Sherloc (09022015). Collection method: clinical testing. Allele origin: germline.
Comment: This sequence change affects codon 118 of the RECQL4 mRNA. It is a 'silent' change, meaning that it does not change the encoded amino acid sequence of the RECQL4 protein. This variant also falls at the last nucleotide of exon 4, which is part of the consensus splice site for this exon. This variant is present in population databases (rs544163984, gnomAD 0.04%). This variant has not been reported in the literature in individuals affected with RECQL4-related conditions. ClinVar contains an entry for this variant (Variation ID: 528989). Variants that disrupt the consensus splice site are a relatively common cause of aberrant splicing (PMID: 17576681, 9536098). Algorithms developed to predict the effect of sequence changes on RNA splicing suggest that this variant may disrupt the consensus splice site. In summary, the available evidence is currently insufficient to determine the role of this variant in disease. Therefore, it has been classified as a Variant of Uncertain Significance.

Blueprint Genetics
Classification: Uncertain significance. Last evaluated: 2024-03-07. Review status: criteria provided, single submitter. Criteria: ACMG Guidelines, 2015. Collection method: clinical testing. Allele origin: germline.

Literature cited by the submitters: PubMed 17576681 (cited by Labcorp Genetics (formerly Invitae), Labcorp); PubMed 9536098 (cited by Labcorp Genetics (formerly Invitae), Labcorp).

NM_004260.4(RECQL4):c.354G>A (p.Gln118=)

Gene: RECQL4 (RecQ like helicase 4; minus strand). Cytogenetic location: 8q24.3.
Variant type: single nucleotide variant.
Coding change: c.354G>A on transcript NM_004260.4 (MANE Select); coding-DNA position 354, G replaced by A.
Protein change: p.Gln118=; no amino-acid change (glutamine 118 retained).
Molecular consequence: synonymous variant.
Genome position (GRCh38, 1-based): chr8:144,517,050, C>T on the plus strand (G>A on the coding strand, the complement: RECQL4 is on the minus strand). VCF-style: chr8-144517050-C-T. GRCh37 (hg19) VCF-style: chr8-145742434-C-T.
Identifiers: ClinVar variation 528989 (VCV000528989.10), dbSNP rs544163984, ClinGen allele CA4949363.